The following is an entry in ClinVar:

ClinVar aggregate classification (germline): Uncertain significance. Review status: criteria provided, multiple submitters, no conflicts (2 of 4 stars). 2 submissions from 2 submitters: Uncertain significance (2). Last evaluated 2025-10-07.

Conditions:
Medulloblastoma (MDB). Also called: MEDULLOBLASTOMA PREDISPOSITION SYNDROME; Medulloblastoma, somatic. Identifiers: Orphanet 616, MedGen C0025149, MeSH D008527, MONDO:0007959, OMIM 155255, HP:0002885.
Gorlin syndrome. Also called: Nevoid Basal Cell Carcinoma Syndrome; Basal cell nevus syndrome. Identifiers: Orphanet 377, MedGen C0004779, MONDO:0007187.
Familial meningioma. Also called: Meningioma, familial, susceptibility to. Identifiers: Orphanet 263662, MedGen C3551915, MONDO:0011789, OMIM 607174.

Submissions (2):

Labcorp Genetics (formerly Invitae), Labcorp
Classification: Uncertain significance for Gorlin syndrome; Medulloblastoma. Last evaluated: 2025-10-07. Review status: criteria provided, single submitter. Criteria: Invitae Variant Classification Sherloc (09022015). Collection method: clinical testing. Allele origin: germline.
Comment: This sequence change replaces proline, which is neutral and non-polar, with arginine, which is basic and polar, at codon 23 of the SUFU protein (p.Pro23Arg). This variant is not present in population databases (gnomAD no frequency). This variant has not been reported in the literature in individuals affected with SUFU-related conditions. ClinVar contains an entry for this variant (Variation ID: 2929189). An algorithm developed to predict the effect of missense changes on protein structure and function (PolyPhen-2) suggests that this variant is likely to be disruptive. In summary, the available evidence is currently insufficient to determine the role of this variant in disease. Therefore, it has been classified as a Variant of Uncertain Significance.

Baylor Genetics
Classification: Uncertain significance for Familial meningioma. Last evaluated: 2024-01-05. Review status: criteria provided, single submitter. Criteria: ACMG Guidelines, 2015. Collection method: clinical testing. Allele origin: unknown.

NM_016169.4(SUFU):c.68C>G (p.Pro23Arg)

Genes: SUFU (SUFU negative regulator of hedgehog signaling; plus strand), LOC130004614 (ATAC-STARR-seq lymphoblastoid silent region 2764; plus strand). Cytogenetic location: 10q24.32.
Variant type: single nucleotide variant.
Coding change: c.68C>G on transcript NM_016169.4 (MANE Select); coding-DNA position 68, C replaced by G.
Protein change: p.Pro23Arg; replaces proline 23 with arginine.
Molecular consequence: missense variant.
Genome position (GRCh38, 1-based): chr10:102,504,220, C>G. VCF-style: chr10-102504220-C-G. GRCh37 (hg19) VCF-style: chr10-104263977-C-G.
Other names: c.68C>G, p.Pro23Arg (NM_001178133.2); short protein forms P23R.
Identifiers: ClinVar variation 2929189 (VCV002929189.4), dbSNP rs2062290972, ClinGen allele CA377886336.